The following is an entry in ClinVar:

NM_138615.3(DHX30):c.1750G>A (p.Ala584Thr)

Gene: DHX30 (DExH-box helicase 30; plus strand). Cytogenetic location: 3p21.31.
Variant type: single nucleotide variant.
Coding change: c.1750G>A on transcript NM_138615.3 (MANE Select); coding-DNA position 1750, G replaced by A.
Protein change: p.Ala584Thr; replaces alanine 584 with threonine.
Molecular consequence: missense variant.
Genome position (GRCh38, 1-based): chr3:47,846,822, G>A. VCF-style: chr3-47846822-G-A. GRCh37 (hg19) VCF-style: chr3-47888312-G-A.
Other names: c.1666G>A, p.Ala556Thr (NM_001330990.2); c.1633G>A, p.Ala545Thr (NM_014966.4); short protein forms A545T, A556T, A584T.
Identifiers: ClinVar variation 4527772 (VCV004527772.1).
Genomic context (GRCh38, chr3:47,846,822, plus strand): 5'-CGGGACGTGAACACAGACTTTCTGCTGATCCTGCTCAAGGGCCTGCAGCGGCTCAACCCG[G>A]CCCTGCGGCTGGTGCTCATGAGTGCCACAGGGGACAATGAGCGCTTCTCCCGATACTTTG-3'
Protein context (NP_619520.1, residues 574-594): LLKGLQRLNP[Ala584Thr]LRLVLMSATG

ClinVar aggregate classification (germline): Uncertain significance (1 of 4 stars; one submission).

Submission:

GeneDx
Classification: Uncertain significance. Last evaluated: 2025-04-29. Review status: criteria provided, single submitter. Criteria: GeneDx Variant Classification Process June 2021. Collection method: clinical testing. Allele origin: germline. Affected: yes.
Comment: Not observed at significant frequency in large population cohorts (gnomAD); In silico analysis indicates that this missense variant does not alter protein structure/function; Has not been previously published as pathogenic or benign to our knowledge